The following is an entry in ClinVar:

NM_001349253.2(SCN11A):c.3171G>C (p.Trp1057Cys)

Gene: SCN11A (sodium voltage-gated channel alpha subunit 11; minus strand). Cytogenetic location: 3p22.2.
Variant type: single nucleotide variant.
Coding change: c.3171G>C on transcript NM_001349253.2 (MANE Select); coding-DNA position 3171, G replaced by C.
Protein change: p.Trp1057Cys; replaces tryptophan 1057 with cysteine.
Molecular consequence: missense variant.
Genome position (GRCh38, 1-based): chr3:38,883,281, C>G on the plus strand (G>C on the coding strand, the complement: SCN11A is on the minus strand). VCF-style: chr3-38883281-C-G. GRCh37 (hg19) VCF-style: chr3-38924772-C-G.
Other names: c.3171G>C, p.Trp1057Cys (NM_014139.3); short protein forms W1057C.
Identifiers: ClinVar variation 1035872 (VCV001035872.5), dbSNP rs779978505, ClinGen allele CA352172989.

ClinVar aggregate classification (germline): Uncertain significance (1 of 4 stars; one submission).

Conditions:
Hereditary sensory and autonomic neuropathy type 7. Also called: HSAN VII; Neuropathy, hereditary sensory and autonomic, type VII. Identifiers: Orphanet 391397, MedGen C3809882, MONDO:0014244, OMIM 615548.
Familial episodic pain syndrome with predominantly lower limb involvement. Also called: Episodic pain syndrome, familial, 3. Identifiers: Orphanet 391384, Orphanet 391392, MedGen C3809899, MONDO:0014247, OMIM 615552.

Submission:

Labcorp Genetics (formerly Invitae), Labcorp
Classification: Uncertain significance for Familial episodic pain syndrome with predominantly lower limb involvement; Hereditary sensory and autonomic neuropathy type 7. Last evaluated: 2020-05-24. Review status: criteria provided, single submitter. Criteria: Invitae Variant Classification Sherloc (09022015). Collection method: clinical testing. Allele origin: germline.
Comment: This variant has not been reported in the literature in individuals with SCN11A-related conditions. This sequence change replaces tryptophan with cysteine at codon 1057 of the SCN11A protein (p.Trp1057Cys). The tryptophan residue is highly conserved and there is a large physicochemical difference between tryptophan and cysteine. This variant is not present in population databases (ExAC no frequency). Algorithms developed to predict the effect of missense changes on protein structure and function (SIFT, PolyPhen-2, Align-GVGD) all suggest that this variant is likely to be disruptive, but these predictions have not been confirmed by published functional studies and their clinical significance is uncertain. In summary, the available evidence is currently insufficient to determine the role of this variant in disease. Therefore, it has been classified as a Variant of Uncertain Significance.